The following is an entry in ClinVar:

ClinVar aggregate classification (germline): Uncertain significance (1 of 4 stars; one submission).

gnomAD v4.1: 1 of 1,613,824 alleles (0.000062%); highest among the groups gnomAD compares: Non-Finnish European, 0.000085%; no homozygotes.

Submission:

GeneDx
Classification: Uncertain significance. Last evaluated: 2025-07-08. Review status: criteria provided, single submitter. Criteria: GeneDx Variant Classification Process June 2021. Collection method: clinical testing. Allele origin: germline. Affected: yes.
Comment: Not observed at significant frequency in large population cohorts (gnomAD); In silico analysis supports that this missense variant has a deleterious effect on protein structure/function; Has not been previously published as pathogenic or benign to our knowledge

NM_001162501.2(TNRC6B):c.1445G>T (p.Gly482Val)

Gene: TNRC6B (trinucleotide repeat containing adaptor 6B; plus strand). Cytogenetic location: 22q13.1.
Variant type: single nucleotide variant.
Coding change: c.1445G>T on transcript NM_001162501.2 (MANE Select); coding-DNA position 1445, G replaced by T.
Protein change: p.Gly482Val; replaces glycine 482 with valine.
Molecular consequence: missense variant. On other transcripts: intron variant (1).
Genome position (GRCh38, 1-based): chr22:40,265,675, G>T. VCF-style: chr22-40265675-G-T. GRCh37 (hg19) VCF-style: chr22-40661679-G-T.
Other names: c.1445G>T, p.Gly482Val (NM_015088.3); c.565+3502G>T (NM_001024843.2); short protein forms G482V.
Identifiers: ClinVar variation 4685228 (VCV004685228.1).
Genomic context (GRCh38, chr22:40,265,675, plus strand): 5'-TTCAGAAATCAACTGGGTCAAAAAATGACTCTTGGGACAACAATAACAGGTCTACGGGTG[G>T]GTCCTGGAACTTTGGCCCCCAGGACTCTAATGACAACAAATGGGGTGAAGGGAACAAAAT-3'
Protein context (NP_001155973.1, residues 472-492): SWDNNNRSTG[Gly482Val]SWNFGPQDSN